The following is an entry in ClinVar:

ClinVar aggregate classification (germline): Uncertain significance. Review status: criteria provided, multiple submitters, no conflicts (2 of 4 stars). 2 submissions from 2 submitters: Uncertain significance (2). Last evaluated 2026-05-14.

Conditions:
CFTR-related disorder (CFTR-RD). Also called: CFTR-related condition; CFTR-related disorders. Identifiers: MedGen C5924204, MONDO:7770004.
Cystic fibrosis (CF). Also called: MUCOVISCIDOSIS. Identifiers: Orphanet 586, MedGen C0010674, MONDO:0009061, OMIM 219700. Disease mechanism: loss of function.

gnomAD v4.1: 5 of 1,611,392 alleles (0.00031%); highest among the groups gnomAD compares: African/African-American, 0.004%; no homozygotes.

Submissions (2):

Ambry Genetics
Classification: Uncertain significance for Cystic fibrosis. Last evaluated: 2026-05-14. Review status: criteria provided, single submitter. Criteria: Ambry Variant Classification Scheme 2023. Collection method: clinical testing. Allele origin: germline.

PreventionGenetics, part of Exact Sciences
Classification: Uncertain significance for CFTR-related condition. Last evaluated: 2025-12-16. Review status: criteria provided, single submitter. Criteria: ACMG Guidelines, 2015. Collection method: clinical testing. Allele origin: germline.
Comment: The CFTR c.82T>C variant is predicted to result in the amino acid substitution p.Tyr28His. To our knowledge, this variant has not been reported in the literature. This variant is reported in 0.0062% of alleles in individuals of African descent in gnomAD. At this time, the clinical significance of this variant is uncertain due to the absence of conclusive functional and genetic evidence.

NM_000492.4(CFTR):c.82T>C (p.Tyr28His)

Gene: CFTR (CF transmembrane conductance regulator; plus strand). Cytogenetic location: 7q31.2.
Variant type: single nucleotide variant.
Coding change: c.82T>C on transcript NM_000492.4 (MANE Select); coding-DNA position 82, T replaced by C.
Protein change: p.Tyr28His; replaces tyrosine 28 with histidine.
Molecular consequence: missense variant.
Genome position (GRCh38, 1-based): chr7:117,504,281, T>C. VCF-style: chr7-117504281-T-C. GRCh37 (hg19) VCF-style: chr7-117144335-T-C.
Other names: short protein forms Y28H.
Identifiers: ClinVar variation 4868866 (VCV004868866.2).